The following is an entry in ClinVar:

ClinVar aggregate classification (germline): Benign (1 of 4 stars; one submission).

Conditions:
Focal segmental glomerulosclerosis 3, susceptibility to (FSGS3). Identifiers: Orphanet 656, MedGen C1842982, MONDO:0011917, OMIM 607832.

Allele frequency attached by ClinVar (database versions not stated): 1000 Genomes Project 30x 0.93957; 1000 Genomes Project 0.94109; TOPMed 0.94364; gnomAD 0.94798 and 0.95120; gnomAD exomes 1.00000.
gnomAD v4.1: 145,001 of 152,352 alleles (95%); highest among the groups gnomAD compares: South Asian, 100%; 69,394 homozygotes.

Submission:

Illumina Laboratory Services, Illumina
Classification: Benign for Focal segmental glomerulosclerosis 3, susceptibility to. Last evaluated: 2018-01-12. Review status: criteria provided, single submitter. Criteria: ICSL Variant Classification Criteria 13 December 2019. Collection method: clinical testing. Allele origin: germline.
Comment: This variant was observed in the ICSL laboratory as part of a predisposition screen in an ostensibly healthy population. It had not been previously curated by ICSL or reported in the Human Gene Mutation Database (HGMD: prior to June 1st, 2018), and was therefore a candidate for classification through an automated scoring system. Utilizing variant allele frequency, disease prevalence and penetrance estimates, and inheritance mode, an automated score was calculated to assess if this variant is too frequent to cause the disease. Based on the score and internal cut-off values, a variant classified as benign is not then subjected to further curation. The score for this variant resulted in a classification of benign for this disease.

NM_012120.3(CD2AP):c.*2339T>C

Gene: CD2AP (CD2 associated protein; plus strand). Cytogenetic location: 6p12.3.
Variant type: single nucleotide variant.
Coding change: c.*2339T>C on transcript NM_012120.3 (MANE Select); 2339 bases downstream of the stop codon, T replaced by C.
Molecular consequence: 3 prime UTR variant.
Genome position (GRCh38, 1-based): chr6:47,626,566, T>C. VCF-style: chr6-47626566-T-C. GRCh37 (hg19) VCF-style: chr6-47594302-T-C.
Identifiers: ClinVar variation 357228 (VCV000357228.5), dbSNP rs2152796, ClinGen allele CA10622322.